The following is an entry in ClinVar:

NM_001127208.3(TET2):c.5902A>C (p.Ile1968Leu)

Genes: TET2 (tet methylcytosine dioxygenase 2; plus strand), TET2-AS1 (TET2 antisense RNA 1; minus strand). Cytogenetic location: 4q24.
Variant type: single nucleotide variant.
Coding change: c.5902A>C on transcript NM_001127208.3 (MANE Select); coding-DNA position 5902, A replaced by C.
Protein change: p.Ile1968Leu; replaces isoleucine 1968 with leucine.
Molecular consequence: missense variant.
Genome position (GRCh38, 1-based): chr4:105,276,412, A>C. VCF-style: chr4-105276412-A-C. GRCh37 (hg19) VCF-style: chr4-106197569-A-C.
Other names: short protein forms I1968L.
Identifiers: ClinVar variation 2695568 (VCV002695568.3), dbSNP rs2476755299, ClinGen allele CA357797093.

ClinVar aggregate classification (germline): Uncertain significance (1 of 4 stars; one submission).

Submission:

Labcorp Genetics (formerly Invitae), Labcorp
Classification: Uncertain significance. Last evaluated: 2023-11-14. Review status: criteria provided, single submitter. Criteria: Invitae Variant Classification Sherloc (09022015). Collection method: clinical testing. Allele origin: germline.
Comment: This sequence change replaces isoleucine, which is neutral and non-polar, with leucine, which is neutral and non-polar, at codon 1968 of the TET2 protein (p.Ile1968Leu). This variant is not present in population databases (gnomAD no frequency). This variant has not been reported in the literature in individuals affected with TET2-related conditions. An algorithm developed to predict the effect of missense changes on protein structure and function (PolyPhen-2) suggests that this variant is likely to be tolerated. In summary, the available evidence is currently insufficient to determine the role of this variant in disease. Therefore, it has been classified as a Variant of Uncertain Significance.